The following is an entry in ClinVar:

ClinVar aggregate classification (germline): Uncertain significance (1 of 4 stars; one submission).

Conditions:
Peroxisome biogenesis disorder 2B (PBD2B). Identifiers: Orphanet 44, MedGen C3550234, MONDO:0008736, OMIM 202370.

Submission:

Labcorp Genetics (formerly Invitae), Labcorp
Classification: Uncertain significance for Peroxisome biogenesis disorder 2B. Last evaluated: 2025-01-27. Review status: criteria provided, single submitter. Criteria: Invitae Variant Classification Sherloc (09022015). Collection method: clinical testing. Allele origin: germline.
Comment: This sequence change replaces alanine, which is neutral and non-polar, with glycine, which is neutral and non-polar, at codon 361 of the PEX5 protein (p.Ala361Gly). This variant is not present in population databases (gnomAD no frequency). This variant has not been reported in the literature in individuals affected with PEX5-related conditions. ClinVar contains an entry for this variant (Variation ID: 2037428). Invitae Evidence Modeling of protein sequence and biophysical properties (such as structural, functional, and spatial information, amino acid conservation, physicochemical variation, residue mobility, and thermodynamic stability) indicates that this missense variant is expected to disrupt PEX5 protein function with a positive predictive value of 80%. In summary, the available evidence is currently insufficient to determine the role of this variant in disease. Therefore, it has been classified as a Variant of Uncertain Significance.

NM_001351132.2(PEX5):c.1082C>G (p.Ala361Gly)

Gene: PEX5 (peroxisomal biogenesis factor 5; plus strand). Cytogenetic location: 12p13.31.
Variant type: single nucleotide variant.
Coding change: c.1082C>G on transcript NM_001351132.2 (MANE Select); coding-DNA position 1082, C replaced by G.
Protein change: p.Ala361Gly; replaces alanine 361 with glycine.
Molecular consequence: missense variant.
Genome position (GRCh38, 1-based): chr12:7,207,774, C>G. VCF-style: chr12-7207774-C-G. GRCh37 (hg19) VCF-style: chr12-7360370-C-G.
Other names: c.1082C>G, p.Ala361Gly (NM_001351133.2, NM_001351134.2, NM_001131025.2 and 4 more transcripts); c.1016C>G, p.Ala339Gly (NM_001351135.3, NM_001351138.2); c.1073C>G, p.Ala358Gly (NM_001351136.2); c.971C>G, p.Ala324Gly (NM_001351137.3, NM_001374645.1, NM_001374646.1 and 7 more transcripts); c.947C>G, p.Ala316Gly (NM_001351139.2, NM_001351140.2, NM_001374649.2); c.1058C>G, p.Ala353Gly (NM_000319.5); c.1127C>G, p.Ala376Gly (NM_001131023.2); short protein forms A324G, A316G, A353G, A361G, A376G, A358G, A339G.
Identifiers: ClinVar variation 2037428 (VCV002037428.3), dbSNP rs1945000208, ClinGen allele CA383730959.